The following is an entry in ClinVar:

NM_006231.4(POLE):c.2431A>G (p.Ile811Val)

Gene: POLE (DNA polymerase epsilon, catalytic subunit; minus strand). Cytogenetic location: 12q24.33.
Variant type: single nucleotide variant.
Coding change: c.2431A>G on transcript NM_006231.4 (MANE Select); coding-DNA position 2431, A replaced by G.
Protein change: p.Ile811Val; replaces isoleucine 811 with valine.
Molecular consequence: missense variant.
Genome position (GRCh38, 1-based): chr12:132,665,339, T>C on the plus strand (A>G on the coding strand, the complement: POLE is on the minus strand). VCF-style: chr12-132665339-T-C. GRCh37 (hg19) VCF-style: chr12-133241925-T-C.
Other names: short protein forms I811V.
Identifiers: ClinVar variation 2762919 (VCV002762919.3), dbSNP rs2042769526, ClinGen allele CA387397080.

ClinVar aggregate classification (germline): Uncertain significance (1 of 4 stars; one submission).

Allele frequency attached by ClinVar (database versions not stated): gnomAD 0.00001.
gnomAD v4.1: 1 of 1,613,932 alleles (0.000062%); highest among the groups gnomAD compares: African/African-American, 0.0013%; no homozygotes.

Submission:

Labcorp Genetics (formerly Invitae), Labcorp
Classification: Uncertain significance. Last evaluated: 2023-09-23. Review status: criteria provided, single submitter. Criteria: Invitae Variant Classification Sherloc (09022015). Collection method: clinical testing. Allele origin: germline.
Comment: Algorithms developed to predict the effect of sequence changes on RNA splicing suggest that this variant may create or strengthen a splice site. Advanced modeling of protein sequence and biophysical properties (such as structural, functional, and spatial information, amino acid conservation, physicochemical variation, residue mobility, and thermodynamic stability) performed at Invitae indicates that this missense variant is expected to disrupt POLE protein function. This variant has not been reported in the literature in individuals affected with POLE-related conditions. This variant is not present in population databases (gnomAD no frequency). This sequence change replaces isoleucine, which is neutral and non-polar, with valine, which is neutral and non-polar, at codon 811 of the POLE protein (p.Ile811Val). In summary, the available evidence is currently insufficient to determine the role of this variant in disease. Therefore, it has been classified as a Variant of Uncertain Significance.